The following is an entry in ClinVar:

ClinVar aggregate classification (germline): Uncertain significance (1 of 4 stars; one submission).

Conditions:
Very long chain acyl-CoA dehydrogenase deficiency (ACADVLD). Also called: Very Long-Chain Acyl-Coenzyme A Dehydrogenase Deficiency; VLCAD Deficiency. Identifiers: Orphanet 26793, MedGen C3887523, MONDO:0008723, OMIM 201475.

Allele frequency attached by ClinVar (database versions not stated): ExAC 0.00002.
gnomAD v4.1: 6 of 1,613,912 alleles (0.00037%); highest among the groups gnomAD compares: African/African-American, 0.008%; no homozygotes.

Submission:

Labcorp Genetics (formerly Invitae), Labcorp
Classification: Uncertain significance for Very long chain acyl-CoA dehydrogenase deficiency. Last evaluated: 2021-09-24. Review status: criteria provided, single submitter. Criteria: Invitae Variant Classification Sherloc (09022015). Collection method: clinical testing. Allele origin: germline.
Comment: This sequence change replaces glycine with valine at codon 499 of the ACADVL protein (p.Gly499Val). The glycine residue is highly conserved and there is a moderate physicochemical difference between glycine and valine. This variant is present in population databases (rs764943140, ExAC 0.03%). This variant has not been reported in the literature in individuals affected with ACADVL-related conditions. Algorithms developed to predict the effect of missense changes on protein structure and function (SIFT, PolyPhen-2, Align-GVGD) all suggest that this variant is likely to be disruptive. In summary, the available evidence is currently insufficient to determine the role of this variant in disease. Therefore, it has been classified as a Variant of Uncertain Significance.

NM_000018.4(ACADVL):c.1496G>T (p.Gly499Val)

Gene: ACADVL (acyl-CoA dehydrogenase very long chain; plus strand). Cytogenetic location: 17p13.1.
Variant type: single nucleotide variant.
Coding change: c.1496G>T on transcript NM_000018.4 (MANE Select); coding-DNA position 1496, G replaced by T.
Protein change: p.Gly499Val; replaces glycine 499 with valine.
Molecular consequence: missense variant.
Genome position (GRCh38, 1-based): chr17:7,224,207, G>T. VCF-style: chr17-7224207-G-T. GRCh37 (hg19) VCF-style: chr17-7127526-G-T.
Other names: c.1430G>T, p.Gly477Val (NM_001033859.3); c.1565G>T, p.Gly522Val (NM_001270447.2); c.1268G>T, p.Gly423Val (NM_001270448.2); short protein forms G423V, G477V, G522V, G499V.
Identifiers: ClinVar variation 1369959 (VCV001369959.3), dbSNP rs764943140, ClinGen allele CA8338131.
Genomic context (GRCh38, chr17:7,224,207, plus strand): 5'-ACAAAGGAAAGGAGCTCTCTGGGCTTGGCAGTGCTCTAAAGAATCCCTTTGGGAATGCTG[G>T]CCTCCTGCTAGGAGAGGCAGGCAAACAGCTGAGGCGGTAGGCTTAGGGCCAGAGCCAGGG-3'
Protein context (NP_000009.1, residues 489-509): SALKNPFGNA[Gly499Val]LLLGEAGKQL